The following is an entry in ClinVar:

ClinVar aggregate classification (germline): Likely pathogenic. Review status: criteria provided, multiple submitters, no conflicts (2 of 4 stars). 5 submissions from 4 submitters: Likely pathogenic (5). Last evaluated 2025-10-09.

Conditions:
Neu-Laxova syndrome 1 (NLS1). Identifiers: Orphanet 2671, Orphanet 583607, MedGen C4551478, MONDO:0009736, OMIM 256520. Disease mechanism: loss of function.
PHGDH deficiency. Identifiers: Orphanet 79351, MedGen C1866174, MONDO:0011152, OMIM 601815.

Allele frequency attached by ClinVar (database versions not stated): TOPMed 0.00001; gnomAD exomes 0.00004.
gnomAD v4.1: 57 of 1,566,486 alleles (0.0036%); highest among the groups gnomAD compares: Non-Finnish European, 0.0048%; no homozygotes.

Submissions (5):

Natera, Inc.
Classification: Likely pathogenic for Phosphoglycerate dehydrogenase deficiency. Last evaluated: 2025-10-09. Review status: criteria provided, single submitter. Criteria: Natera Variant Classification Schema (03/2026). Collection method: clinical testing. Allele origin: germline.
Comment: The c.1078+1G>A variant in PHGDH is a canonical splice donor site variant predicted to affect pre-mRNA splicing, which may result in an abnormal transcript and altered protein product. This variant is expected to result in nonsense mediated decay, truncation, or a dysfunctional protein product. This variant is rare in the general population with a frequency below the threshold expected for the associated phenotype(s). Given the available evidence, this variant is classified as Likely Pathogenic.

Fulgent Genetics
Classification: Likely pathogenic for Neu-Laxova syndrome 1; PHGDH deficiency. Last evaluated: 2024-04-25. Review status: criteria provided, single submitter. Criteria: ACMG Guidelines, 2015. Collection method: clinical testing. Allele origin: germline.

Labcorp Genetics (formerly Invitae), Labcorp
Classification: Likely pathogenic for PHGDH deficiency. Last evaluated: 2024-03-17. Review status: criteria provided, single submitter. Criteria: Invitae Variant Classification Sherloc (09022015). Collection method: clinical testing. Allele origin: germline.
Comment: This sequence change affects a donor splice site in intron 9 of the PHGDH gene. It is expected to disrupt RNA splicing. Variants that disrupt the donor or acceptor splice site typically lead to a loss of protein function (PMID: 16199547), and loss-of-function variants in PHGDH are known to be pathogenic (PMID: 14645240, 24836451). The frequency data for this variant in the population databases is considered unreliable, as metrics indicate poor data quality at this position in the gnomAD database. Disruption of this splice site has been observed in individual(s) with phosphoglycerate dehydrogenase deficiency (PMID: 28252636). ClinVar contains an entry for this variant (Variation ID: 836495). Algorithms developed to predict the effect of sequence changes on RNA splicing suggest that this variant may disrupt the consensus splice site. In summary, the currently available evidence indicates that the variant is pathogenic, but additional data are needed to prove that conclusively. Therefore, this variant has been classified as Likely Pathogenic.

Genome-Nilou Lab
Classification: Likely pathogenic for Neu-Laxova syndrome 1. Last evaluated: 2023-04-11. Review status: criteria provided, single submitter. Criteria: ACMG Guidelines, 2015. Collection method: clinical testing. Allele origin: germline. Affected: no.

Genome-Nilou Lab
Classification: Likely pathogenic for PHGDH deficiency. Last evaluated: 2023-04-11. Review status: criteria provided, single submitter. Criteria: ACMG Guidelines, 2015. Collection method: clinical testing. Allele origin: germline. Affected: no.

Literature cited by the submitters: PubMed 16199547 (cited by Labcorp Genetics (formerly Invitae), Labcorp); PubMed 14645240 (cited by Labcorp Genetics (formerly Invitae), Labcorp); PubMed 24836451 (cited by Labcorp Genetics (formerly Invitae), Labcorp); PubMed 28252636 (cited by Labcorp Genetics (formerly Invitae), Labcorp).

NM_006623.4(PHGDH):c.1078+1G>A

Gene: PHGDH (phosphoglycerate dehydrogenase; plus strand). Cytogenetic location: 1p12.
Variant type: single nucleotide variant.
Coding change: c.1078+1G>A on transcript NM_006623.4 (MANE Select); the canonical splice donor site of the intron after coding-DNA position 1078, G replaced by A.
Molecular consequence: splice donor variant.
Genome position (GRCh38, 1-based): chr1:119,740,519, G>A. VCF-style: chr1-119740519-G-A. GRCh37 (hg19) VCF-style: chr1-120283142-G-A.
Identifiers: ClinVar variation 836495 (VCV000836495.12), dbSNP rs1224279673, ClinGen allele CA341852680.